The following is an entry in ClinVar:

NM_000535.7(PMS2):c.2005A>C (p.Ser669Arg)

Gene: PMS2 (PMS1 homolog 2, mismatch repair system component; minus strand). Cytogenetic location: 7p22.1.
Variant type: single nucleotide variant.
Coding change: c.2005A>C on transcript NM_000535.7 (MANE Select); coding-DNA position 2005, A replaced by C.
Protein change: p.Ser669Arg; replaces serine 669 with arginine.
Molecular consequence: missense variant. On other transcripts: non-coding transcript variant (1).
Genome position (GRCh38, 1-based): chr7:5,986,760, T>G on the plus strand (A>C on the coding strand, the complement: PMS2 is on the minus strand). VCF-style: chr7-5986760-T-G. GRCh37 (hg19) VCF-style: chr7-6026391-T-G.
Other names: c.1600A>C, p.Ser534Arg (NM_001322003.2, NM_001322004.2, NM_001322005.2 and 1 more transcripts); c.1849A>C, p.Ser617Arg (NM_001322006.2); c.1687A>C, p.Ser563Arg (NM_001322007.2, NM_001322008.2); c.1444A>C, p.Ser482Arg (NM_001322010.2); c.1072A>C, p.Ser358Arg (NM_001322011.2, NM_001322012.2); c.1432A>C, p.Ser478Arg (NM_001322013.2); c.2005A>C, p.Ser669Arg (NM_001322014.2); c.1696A>C, p.Ser566Arg (NM_001322015.2); short protein forms S669R, S534R, S563R, S617R, S482R, S566R, S358R, S478R.
Identifiers: ClinVar variation 455678 (VCV000455678.9), dbSNP rs1554297049, ClinGen allele CA366738852.

ClinVar aggregate classification (germline): Uncertain significance. Review status: criteria provided, multiple submitters, no conflicts (2 of 4 stars). 2 submissions from 2 submitters: Uncertain significance (2). Last evaluated 2024-05-31.

Conditions:
Hereditary nonpolyposis colorectal neoplasms. Identifiers: MedGen C0009405, MeSH D003123.
Hereditary cancer-predisposing syndrome. Also called: Hereditary Cancer Syndrome; Hereditary neoplastic syndrome; Neoplastic Syndromes, Hereditary; Tumor predisposition. Identifiers: Orphanet 140162, MedGen C0027672, MeSH D009386, MONDO:0015356.

Submissions (2):

Color Diagnostics, LLC DBA Color Health
Classification: Uncertain significance for Hereditary cancer-predisposing syndrome. Last evaluated: 2024-05-31. Review status: criteria provided, single submitter. Criteria: ACMG Guidelines, 2015. Collection method: clinical testing. Allele origin: germline.
Comment: This missense variant replaces serine with arginine at codon 669 of the PMS2 protein. Computational prediction suggests that this variant may not impact protein structure and function (internally defined REVEL score threshold <= 0.5, PMID: 27666373). To our knowledge, functional studies have not been reported for this variant. This variant has not been reported in individuals affected with PMS2-related disorders in the literature. This variant has not been identified in the general population by the Genome Aggregation Database (gnomAD). The available evidence is insufficient to determine the role of this variant in disease conclusively. Therefore, this variant is classified as a Variant of Uncertain Significance.

Labcorp Genetics (formerly Invitae), Labcorp
Classification: Uncertain significance for Hereditary nonpolyposis colorectal neoplasms. Last evaluated: 2024-04-23. Review status: criteria provided, single submitter. Criteria: Invitae Variant Classification Sherloc (09022015). Collection method: clinical testing. Allele origin: germline.
Comment: This sequence change replaces serine, which is neutral and polar, with arginine, which is basic and polar, at codon 669 of the PMS2 protein (p.Ser669Arg). This variant is not present in population databases (gnomAD no frequency). This variant has not been reported in the literature in individuals affected with PMS2-related conditions. ClinVar contains an entry for this variant (Variation ID: 455678). An algorithm developed to predict the effect of missense changes on protein structure and function (PolyPhen-2) suggests that this variant is likely to be tolerated. In summary, the available evidence is currently insufficient to determine the role of this variant in disease. Therefore, it has been classified as a Variant of Uncertain Significance.